The following is an entry in ClinVar:

ClinVar aggregate classification (germline): Uncertain significance (1 of 4 stars; one submission).

Conditions:
Immunodeficiency 133 with ectodermal dysplasia with or without peripheral neuropathy. Identifiers: MedGen C6012744, MONDO:0979570, OMIM 621254.
Charcot-Marie-Tooth disease, demyelinating, type 1J. Also called: CHARCOT-MARIE-TOOTH NEUROPATHY, DEMYELINATING, TYPE 1J. Identifiers: MedGen C5774249, MONDO:0859311, OMIM 620111.

gnomAD v4.1: 1 of 1,613,574 alleles (0.000062%); highest among the groups gnomAD compares: East Asian, 0.0022%; no homozygotes.

Submission:

Juno Genomics, Hangzhou Juno Genomics, Inc
Classification: Uncertain significance for Charcot-Marie-Tooth disease, demyelinating, type 1J; Immunodeficiency 133 with ectodermal dysplasia with or without peripheral neuropathy. Review status: criteria provided, single submitter. Criteria: ACMG Guidelines, 2015. Collection method: clinical testing. Allele origin: germline.
Comment: Absent from controls (or at extremely low frequency if recessive) in Genome Aggregation Database.;Missense variant in a gene that has a low rate of benign missense variation.;Multiple lines of computational evidence support a deleterious effect on the gene or gene product.

NM_002224.4(ITPR3):c.4184A>G (p.Asp1395Gly)

Gene: ITPR3 (inositol 1,4,5-trisphosphate receptor type 3; plus strand). Cytogenetic location: 6p21.31.
Variant type: single nucleotide variant.
Coding change: c.4184A>G on transcript NM_002224.4 (MANE Select); coding-DNA position 4184, A replaced by G.
Protein change: p.Asp1395Gly; replaces aspartic acid 1395 with glycine.
Molecular consequence: missense variant.
Genome position (GRCh38, 1-based): chr6:33,680,093, A>G. VCF-style: chr6-33680093-A-G. GRCh37 (hg19) VCF-style: chr6-33647870-A-G.
Other names: short protein forms D1395G.
Identifiers: ClinVar variation 5018944 (VCV005018944.2).